The following is an entry in ClinVar:

ClinVar aggregate classification (germline): Uncertain significance (1 of 4 stars; one submission).

Allele frequency attached by ClinVar (database versions not stated): gnomAD 0.00001.
gnomAD v4.1: 4 of 1,549,082 alleles (0.00026%); highest among the groups gnomAD compares: Admixed American, 0.0078%; no homozygotes.

Submission:

Labcorp Genetics (formerly Invitae), Labcorp
Classification: Uncertain significance. Last evaluated: 2022-08-24. Review status: criteria provided, single submitter. Criteria: Invitae Variant Classification Sherloc (09022015). Collection method: clinical testing. Allele origin: germline.
Comment: This variant has not been reported in the literature in individuals affected with BTRC-related conditions. In summary, the available evidence is currently insufficient to determine the role of this variant in disease. Therefore, it has been classified as a Variant of Uncertain Significance. Algorithms developed to predict the effect of missense changes on protein structure and function (SIFT, PolyPhen-2, Align-GVGD) all suggest that this variant is likely to be tolerated. This variant is present in population databases (no rsID available, gnomAD 0.01%). This sequence change replaces leucine, which is neutral and non-polar, with isoleucine, which is neutral and non-polar, at codon 13 of the BTRC protein (p.Leu13Ile).

NM_033637.4(BTRC):c.37C>A (p.Leu13Ile)

Genes: BTRC (beta-transducin repeat containing E3 ubiquitin protein ligase; plus strand), LOC130004556 (ATAC-STARR-seq lymphoblastoid silent region 2720; plus strand). Cytogenetic location: 10q24.32.
Variant type: single nucleotide variant.
Coding change: c.37C>A on transcript NM_033637.4 (MANE Select); coding-DNA position 37, C replaced by A.
Protein change: p.Leu13Ile; replaces leucine 13 with isoleucine.
Molecular consequence: missense variant.
Genome position (GRCh38, 1-based): chr10:101,354,217, C>A. VCF-style: chr10-101354217-C-A. GRCh37 (hg19) VCF-style: chr10-103113974-C-A.
Other names: c.37C>A, p.Leu13Ile (NM_001256856.2, NM_003939.5); short protein forms L13I.
Identifiers: ClinVar variation 2058547 (VCV002058547.4), dbSNP rs1408160078, ClinGen allele CA378262254.